The following is an entry in ClinVar:

ClinVar aggregate classification (germline): Likely pathogenic (1 of 4 stars; one submission).

Conditions:
Fanconi anemia complementation group J. Also called: BRIP1-Related Fanconi Anemia. Identifiers: Orphanet 84, MedGen C1836860, MONDO:0012187, OMIM 609054.
Familial cancer of breast. Also called: Hereditary breast cancer; BREAST CANCER, FAMILIAL; hereditary breast carcinoma. Identifiers: Orphanet 227535, MedGen C0346153, MONDO:0016419, OMIM 114480. Disease mechanism: loss of function.

Submission:

Labcorp Genetics (formerly Invitae), Labcorp
Classification: Likely pathogenic for Familial cancer of breast; Fanconi anemia complementation group J. Last evaluated: 2021-06-18. Review status: criteria provided, single submitter. Criteria: Invitae Variant Classification Sherloc (09022015). Collection method: clinical testing. Allele origin: germline.
Comment: In summary, the currently available evidence indicates that the variant is pathogenic, but additional data are needed to prove that conclusively. Therefore, this variant has been classified as Likely Pathogenic. Loss-of-function variants in BRIP1 are known to be pathogenic (PMID: 16116423, 17033622, 21964575). This variant has not been reported in the literature in individuals with BRIP1-related disease. This variant is a gross duplication of the genomic region encompassing exons 3-11 of the BRIP1 gene. While the exact position of the duplicated exons cannot be determined from this data, sub-genic duplications are generally in tandem (PMID: 25640679) and may result in an absent or disrupted protein product.

Literature cited by the submitters: PubMed 16116423; PubMed 17033622; PubMed 21964575; PubMed 25640679.

NC_000017.10:g.(?_59861621)_(59937278_?)dup

Gene: BRIP1 (BRCA1 interacting DNA helicase 1; minus strand). Cytogenetic location: 17q23.2.
Variant type: Duplication.
Identifiers: ClinVar variation 1525843 (VCV001525843.5).